The following is an entry in ClinVar:

NM_001711.6(BGN):c.620G>T (p.Gly207Val)

Gene: BGN (biglycan; plus strand). Cytogenetic location: Xq28.
Variant type: single nucleotide variant.
Coding change: c.620G>T on transcript NM_001711.6 (MANE Select); coding-DNA position 620, G replaced by T.
Protein change: p.Gly207Val; replaces glycine 207 with valine.
Molecular consequence: missense variant.
Genome position (GRCh38, 1-based): chrX:153,506,583, G>T. VCF-style: chrX-153506583-G-T. GRCh37 (hg19) VCF-style: chrX-152772041-G-T.
Other names: short protein forms G207V.
Identifiers: ClinVar variation 3649500 (VCV003649500.2).

ClinVar aggregate classification (germline): Uncertain significance (1 of 4 stars; one submission).

Submission:

Labcorp Genetics (formerly Invitae), Labcorp
Classification: Uncertain significance. Last evaluated: 2024-04-10. Review status: criteria provided, single submitter. Criteria: Invitae Variant Classification Sherloc (09022015). Collection method: clinical testing. Allele origin: germline.
Comment: This sequence change replaces glycine, which is neutral and non-polar, with valine, which is neutral and non-polar, at codon 207 of the BGN protein (p.Gly207Val). This variant is not present in population databases (gnomAD no frequency). This variant has not been reported in the literature in individuals affected with BGN-related conditions. Advanced modeling of protein sequence and biophysical properties (such as structural, functional, and spatial information, amino acid conservation, physicochemical variation, residue mobility, and thermodynamic stability) performed at Invitae indicates that this missense variant is expected to disrupt BGN protein function with a positive predictive value of 80%. In summary, the available evidence is currently insufficient to determine the role of this variant in disease. Therefore, it has been classified as a Variant of Uncertain Significance.